The following is an entry in ClinVar:

ClinVar aggregate classification (germline): Uncertain significance (1 of 4 stars; one submission).

Submission:

GeneDx
Classification: Uncertain significance. Last evaluated: 2023-11-28. Review status: criteria provided, single submitter. Criteria: GeneDx Variant Classification Process June 2021. Collection method: clinical testing. Allele origin: germline. Affected: yes.
Comment: Not observed at significant frequency in large population cohorts (gnomAD); In silico analysis supports that this missense variant has a deleterious effect on protein structure/function; Has not been previously published as pathogenic or benign to our knowledge

NM_001606.5(ABCA2):c.6026T>C (p.Met2009Thr)

Genes: ABCA2 (ATP binding cassette subfamily A member 2; minus strand), LOC126860796 (CDK7 strongly-dependent group 2 enhancer GRCh37_chr9:139904888-139906087; plus strand). Cytogenetic location: 9q34.3.
Variant type: single nucleotide variant.
Coding change: c.6026T>C on transcript NM_001606.5 (MANE Select); coding-DNA position 6026, T replaced by C.
Protein change: p.Met2009Thr; replaces methionine 2009 with threonine.
Molecular consequence: missense variant.
Genome position (GRCh38, 1-based): chr9:137,011,003, A>G on the plus strand (T>C on the coding strand, the complement: ABCA2 is on the minus strand). VCF-style: chr9-137011003-A-G. GRCh37 (hg19) VCF-style: chr9-139905455-A-G.
Other names: c.6023T>C, p.Met2008Thr (NM_001411042.1); c.6116T>C, p.Met2039Thr (NM_212533.3); short protein forms M2008T, M2009T, M2039T.
Identifiers: ClinVar variation 3364986 (VCV003364986.1).